The following is an entry in ClinVar:

ClinVar aggregate classification (germline): Pathogenic. Review status: criteria provided, multiple submitters, no conflicts (2 of 4 stars). 2 submissions from 2 submitters: Pathogenic (2). Last evaluated 2022-10-13.

Conditions:
Duchenne muscular dystrophy (DMD). Also called: Duchenne Muscular Dystrophy (DMD); MUSCULAR DYSTROPHY, PSEUDOHYPERTROPHIC PROGRESSIVE, DUCHENNE TYPE. Identifiers: Orphanet 98896, MedGen C0013264, MONDO:0010679, OMIM 310200.

Submissions (2):

Labcorp Genetics (formerly Invitae), Labcorp
Classification: Pathogenic for Duchenne muscular dystrophy. Last evaluated: 2022-10-13. Review status: criteria provided, single submitter. Criteria: Invitae Variant Classification Sherloc (09022015). Collection method: clinical testing. Allele origin: germline.
Comment: This sequence change affects a donor splice site in intron 54 of the DMD gene. It is expected to disrupt RNA splicing. Variants that disrupt the donor or acceptor splice site typically lead to a loss of protein function (PMID: 16199547), and loss-of-function variants in DMD are known to be pathogenic (PMID: 16770791, 25007885). This variant is not present in population databases (gnomAD no frequency). Disruption of this splice site has been observed in individuals with Duchenne muscular dystrophy (PMID: 17259292, 19937601, 27750387). ClinVar contains an entry for this variant (Variation ID: 526091). Algorithms developed to predict the effect of sequence changes on RNA splicing suggest that this variant may disrupt the consensus splice site. For these reasons, this variant has been classified as Pathogenic.

Mendelics
Classification: Pathogenic for Duchenne muscular dystrophy. Last evaluated: 2019-05-28. Review status: criteria provided, single submitter. Criteria: Mendelics Assertion Criteria 2017. Collection method: clinical testing. Allele origin: unknown.

Literature cited by the submitters: PubMed 16199547 (cited by Labcorp Genetics (formerly Invitae), Labcorp); PubMed 16770791 (cited by Labcorp Genetics (formerly Invitae), Labcorp); PubMed 25007885 (cited by Labcorp Genetics (formerly Invitae), Labcorp); PubMed 17259292 (cited by Labcorp Genetics (formerly Invitae), Labcorp); PubMed 19937601 (cited by Labcorp Genetics (formerly Invitae), Labcorp); PubMed 27750387 (cited by Labcorp Genetics (formerly Invitae), Labcorp).

NM_004006.3(DMD):c.8027+1G>A

Gene: DMD (dystrophin; minus strand). Cytogenetic location: Xp21.1.
Variant type: single nucleotide variant.
Coding change: c.8027+1G>A on transcript NM_004006.3 (MANE Select); the canonical splice donor site of the intron after coding-DNA position 8027, G replaced by A.
Molecular consequence: splice donor variant.
Genome position (GRCh38, 1-based): chrX:31,657,989, C>T on the plus strand (G>A on the coding strand, the complement: DMD is on the minus strand). VCF-style: chrX-31657989-C-T. GRCh37 (hg19) VCF-style: chrX-31676106-C-T.
Other names: c.8003+1G>A (NM_000109.4); c.4004+1G>A (NM_004011.4); c.3995+1G>A (NM_004012.4); c.647+1G>A (NM_004023.3, NM_004020.4, NM_004022.3 and 2 more transcripts); c.8015+1G>A (NM_004009.3); c.7658+1G>A (NM_004010.3).
Identifiers: ClinVar variation 526091 (VCV000526091.12), dbSNP rs1556789913, ClinGen allele CA412655709.